The following is an entry in ClinVar:

ClinVar aggregate classification (germline): Uncertain significance (1 of 4 stars; one submission).

gnomAD v4.1: 1 of 1,601,352 alleles (0.000062%); highest among the groups gnomAD compares: Non-Finnish European, 0.000085%; no homozygotes.

Submission:

GeneDx
Classification: Uncertain significance. Last evaluated: 2019-08-27. Review status: criteria provided, single submitter. Criteria: GeneDx Variant Classification Process June 2021. Collection method: clinical testing. Allele origin: germline. Affected: yes.
Comment: Not observed in large population cohorts (Lek et al., 2016); In silico analysis, which includes protein predictors and evolutionary conservation, supports a deleterious effect; Has not been previously published as pathogenic or benign to our knowledge

NM_001386298.1(CIC):c.7214G>T (p.Arg2405Leu)

Gene: CIC (capicua transcriptional repressor; plus strand). Cytogenetic location: 19q13.2.
Variant type: single nucleotide variant.
Coding change: c.7214G>T on transcript NM_001386298.1 (MANE Select); coding-DNA position 7214, G replaced by T.
Protein change: p.Arg2405Leu; replaces arginine 2405 with leucine.
Molecular consequence: missense variant.
Genome position (GRCh38, 1-based): chr19:42,294,851, G>T. VCF-style: chr19-42294851-G-T. GRCh37 (hg19) VCF-style: chr19-42799003-G-T.
Other names: c.7214G>T, p.Arg2405Leu (NM_001304815.2); c.7211G>T, p.Arg2404Leu (NM_001379480.1, NM_001379482.1); c.4481G>T, p.Arg1494Leu (NM_001379484.1); c.4478G>T, p.Arg1493Leu (NM_001379485.1); c.4487G>T, p.Arg1496Leu (NM_015125.5); short protein forms R1493L, R1494L, R1496L, R2404L, R2405L.
Identifiers: ClinVar variation 1302268 (VCV001302268.2), dbSNP rs200799936, ClinGen allele CA406124269.